The following is an entry in ClinVar:

NM_201596.3(CACNB2):c.1362C>T (p.Ala454=)

Gene: CACNB2 (calcium voltage-gated channel auxiliary subunit beta 2; plus strand). Cytogenetic location: 10p12.31.
Variant type: single nucleotide variant.
Coding change: c.1362C>T on transcript NM_201596.3 (MANE Select); coding-DNA position 1362, C replaced by T.
Protein change: p.Ala454=; no amino-acid change (alanine 454 retained).
Molecular consequence: synonymous variant.
Genome position (GRCh38, 1-based): chr10:18,538,239, C>T. VCF-style: chr10-18538239-C-T. GRCh37 (hg19) VCF-style: chr10-18827168-C-T.
Other names: c.1197C>T, p.Ala399= (NM_000724.4); c.1164C>T, p.Ala388= (NM_001167945.2); c.1083C>T, p.Ala361= (NM_001330060.2); c.1218C>T, p.Ala406= (NM_201570.3); c.1278C>T, p.Ala426= (NM_201571.4); c.1206C>T, p.Ala402= (NM_201572.4); c.1200C>T, p.Ala400= (NM_201590.3); c.1248C>T, p.Ala416= (NM_201593.3); and 2 more.
Identifiers: ClinVar variation 1649366 (VCV001649366.10), dbSNP rs769870567, ClinGen allele CA5430012.

ClinVar aggregate classification (germline): Likely benign. Review status: criteria provided, multiple submitters, no conflicts (2 of 4 stars). 3 submissions from 3 submitters: Likely benign (3). Last evaluated 2025-09-16.

Conditions:
CACNB2-related disorder. Also called: CACNB2-related condition.
Cardiovascular phenotype. Identifiers: MedGen CN230736.
Brugada syndrome 4 (BRGDA4). Identifiers: Orphanet 130, MedGen C2678477, MONDO:0012743, OMIM 611876.

Allele frequency attached by ClinVar (database versions not stated): gnomAD 0.00001; gnomAD exomes 0.00001; ExAC 0.00002; TOPMed 0.00002.
gnomAD v4.1: 11 of 1,613,940 alleles (0.00068%); highest among the groups gnomAD compares: Middle Eastern, 0.016%; no homozygotes.

Submissions (3):

PreventionGenetics, part of Exact Sciences
Classification: Likely benign for CACNB2-related condition. Last evaluated: 2025-09-16. Review status: criteria provided, single submitter. Criteria: ACMG Guidelines, 2015. Collection method: clinical testing. Allele origin: germline.
Comment: This variant is classified as likely benign based on ACMG/AMP sequence variant interpretation guidelines (Richards et al. 2015 PMID: 25741868, with internal and published modifications).

Ambry Genetics
Classification: Likely benign for Cardiovascular phenotype. Last evaluated: 2025-05-26. Review status: criteria provided, single submitter. Criteria: Ambry Variant Classification Scheme 2023. Collection method: clinical testing. Allele origin: germline.

Labcorp Genetics (formerly Invitae), Labcorp
Classification: Likely benign for Brugada syndrome 4. Last evaluated: 2024-05-29. Review status: criteria provided, single submitter. Criteria: Invitae Variant Classification Sherloc (09022015). Collection method: clinical testing. Allele origin: germline.